The following is an entry in ClinVar:

ClinVar aggregate classification (germline): Uncertain significance. Review status: criteria provided, multiple submitters, no conflicts (2 of 4 stars). 4 submissions from 4 submitters: Uncertain significance (3). 1 of the submissions does not count toward it. Last evaluated 2024-05-13.

Conditions:
Inborn genetic diseases. Identifiers: MedGen C0950123, MeSH D030342.
Neurodevelopmental disorder with microcephaly and speech delay, with or without brain abnormalities (NEDMSBA). Identifiers: MedGen C5830413, MONDO:0957218, OMIM 620317.

Allele frequency attached by ClinVar (database versions not stated): ExAC 0.00001; gnomAD exomes 0.00001; TOPMed 0.00001.
gnomAD v4.1: 13 of 1,613,604 alleles (0.00081%); highest among the groups gnomAD compares: East Asian, 0.0022%; no homozygotes.

Submissions (4):

SIB Swiss Institute of Bioinformatics
Classification: Uncertain significance for Neurodevelopmental disorder with microcephaly and speech delay, with or without brain abnormalities. Last evaluated: 2024-05-13. Review status: criteria provided, single submitter. Criteria: ACMG Guidelines, 2015. Collection method: curation. Allele origin: unknown. Inheritance: Autosomal recessive inheritance.
Comment: This variant is interpreted as VUS for Neurodevelopmental disorder with microcephaly and speech delay, with or without brain abnormalities, autosomal recessive. The following ACMG Tag(s) were applied: Absent from controls (or at extremely low frequency if recessive) in Exome Sequencing Project, 1000 Genomes Project, or Exome Aggregation Consortium (PM2_supporting); For recessive disorders, detected in trans with a pathogenic variant (PM3_supporting); Multiple lines of computational evidence support a deleterious effect on the gene or gene product (PP3_supporting); Well-established functional studies show a deleterious effect (PS3_ moderate).

Genomic Medicine Center of Excellence, King Faisal Specialist Hospital and Research Centre
Classification: Uncertain significance for Neurodevelopmental disorder with microcephaly and speech delay, with or without brain abnormalities. Last evaluated: 2024-03-14. Review status: criteria provided, single submitter. Criteria: ACMG Guidelines, 2015. Collection method: clinical testing. Allele origin: germline.

Ambry Genetics
Classification: Uncertain significance for Inborn genetic diseases. Last evaluated: 2023-02-16. Review status: criteria provided, single submitter. Criteria: Ambry Variant Classification Scheme 2023. Collection method: clinical testing. Allele origin: germline.

OMIM
Classification: Pathogenic for NEURODEVELOPMENTAL DISORDER WITH MICROCEPHALY AND SPEECH DELAY, WITH BRAIN ABNORMALITIES. Last evaluated: 2023-04-19. Review status: no assertion criteria provided. Collection method: literature only. Allele origin: germline. Not counted in ClinVar's aggregate classification.

Literature cited by the submitters: PubMed 35790048 (cited by SIB Swiss Institute of Bioinformatics and OMIM).

NM_004184.4(WARS1):c.397C>T (p.Arg133Cys)

Gene: WARS1 (tryptophanyl-tRNA synthetase 1; minus strand). Cytogenetic location: 14q32.2.
Variant type: single nucleotide variant.
Coding change: c.397C>T on transcript NM_004184.4 (MANE Select); coding-DNA position 397, C replaced by T.
Protein change: p.Arg133Cys; replaces arginine 133 with cysteine.
Molecular consequence: missense variant.
Genome position (GRCh38, 1-based): chr14:100,360,579, G>A on the plus strand (C>T on the coding strand, the complement: WARS1 is on the minus strand). VCF-style: chr14-100360579-G-A. GRCh37 (hg19) VCF-style: chr14-100826916-G-A.
Other names: c.397C>T, p.Arg133Cys (NM_173701.2); c.274C>T, p.Arg92Cys (NM_213645.2, NM_213646.2); short protein forms R133C, R92C.
Identifiers: ClinVar variation 2485684 (VCV002485684.5), dbSNP rs764391035, ClinGen allele CA7345308.